The following is an entry in ClinVar:

ClinVar aggregate classification (germline): Uncertain significance (1 of 4 stars; one submission).

Allele frequency attached by ClinVar (database versions not stated): gnomAD 0.00001; TOPMed 0.00001; ExAC 0.00002; ESP Exome Variant Server 0.00008.
gnomAD v4.1: 10 of 1,614,118 alleles (0.00062%); highest among the groups gnomAD compares: Middle Eastern, 0.016%; no homozygotes.

Submission:

Labcorp Genetics (formerly Invitae), Labcorp
Classification: Uncertain significance. Last evaluated: 2022-03-19. Review status: criteria provided, single submitter. Criteria: Invitae Variant Classification Sherloc (09022015). Collection method: clinical testing. Allele origin: germline.
Comment: This sequence change replaces arginine, which is basic and polar, with cysteine, which is neutral and slightly polar, at codon 51 of the DHX32 protein (p.Arg51Cys). This variant is present in population databases (rs369691673, gnomAD 0.002%). This variant has not been reported in the literature in individuals affected with DHX32-related conditions. Algorithms developed to predict the effect of missense changes on protein structure and function are either unavailable or do not agree on the potential impact of this missense change (SIFT: "Deleterious"; PolyPhen-2: "Probably Damaging"; Align-GVGD: "Class C0"). In summary, the available evidence is currently insufficient to determine the role of this variant in disease. Therefore, it has been classified as a Variant of Uncertain Significance.

NM_018180.3(DHX32):c.151C>T (p.Arg51Cys)

Gene: DHX32 (DEAH-box helicase 32 (putative); minus strand). Cytogenetic location: 10q26.2.
Variant type: single nucleotide variant.
Coding change: c.151C>T on transcript NM_018180.3 (MANE Select); coding-DNA position 151, C replaced by T.
Protein change: p.Arg51Cys; replaces arginine 51 with cysteine.
Molecular consequence: missense variant.
Genome position (GRCh38, 1-based): chr10:125,880,674, G>A on the plus strand (C>T on the coding strand, the complement: DHX32 is on the minus strand). VCF-style: chr10-125880674-G-A. GRCh37 (hg19) VCF-style: chr10-127569243-G-A.
Other names: short protein forms R51C.
Identifiers: ClinVar variation 2114422 (VCV002114422.4), dbSNP rs369691673, ClinGen allele CA5739522.